The following is an entry in ClinVar:

NM_015512.5(DNAH1):c.10885C>T (p.Arg3629Cys)

Gene: DNAH1 (dynein axonemal heavy chain 1; plus strand). Cytogenetic location: 3p21.1.
Variant type: single nucleotide variant.
Coding change: c.10885C>T on transcript NM_015512.5 (MANE Select); coding-DNA position 10885, C replaced by T.
Protein change: p.Arg3629Cys; replaces arginine 3629 with cysteine.
Molecular consequence: missense variant.
Genome position (GRCh38, 1-based): chr3:52,394,976, C>T. VCF-style: chr3-52394976-C-T. GRCh37 (hg19) VCF-style: chr3-52428992-C-T.
Other names: short protein forms R3629C.
Identifiers: ClinVar variation 3840752 (VCV003840752.2).

ClinVar aggregate classification (germline): Uncertain significance. Review status: criteria provided, multiple submitters, no conflicts (2 of 4 stars). 2 submissions from 2 submitters: Uncertain significance (2). Last evaluated 2025-05-07.

gnomAD v4.1: 19 of 1,612,930 alleles (0.0012%); highest among the groups gnomAD compares: Middle Eastern, 0.016%; no homozygotes.

Submissions (2):

ARUP Laboratories, Molecular Genetics and Genomics, ARUP Laboratories
Classification: Uncertain significance. Last evaluated: 2025-05-07. Review status: criteria provided, single submitter. Criteria: ARUP Molecular Germline Variant Investigation Process 2024. Collection method: clinical testing. Allele origin: germline.
Comment: The DNAH1 c.10885C>T; p.Arg3629Cys variant (rs751799342), to our knowledge, is not reported in the medical literature but is reported in ClinVar (Variation ID: 3840752). This variant is only observed on three alleles in the Genome Aggregation Database (v2.1.1), indicating it is not a common polymorphism. Computational analyses are uncertain whether this variant is neutral or deleterious (REVEL: 0.443). Due to limited information, the clinical significance of this variant is uncertain at this time.

Ambry Genetics
Classification: Uncertain significance. Last evaluated: 2025-02-24. Review status: criteria provided, single submitter. Criteria: Ambry Variant Classification Scheme 2023. Collection method: clinical testing. Allele origin: germline.